The following is an entry in ClinVar:

NM_000448.3(RAG1):c.2893G>C (p.Glu965Gln)

Gene: RAG1 (recombination activating 1; plus strand). Cytogenetic location: 11p12.
Variant type: single nucleotide variant.
Coding change: c.2893G>C on transcript NM_000448.3 (MANE Select); coding-DNA position 2893, G replaced by C.
Protein change: p.Glu965Gln; replaces glutamic acid 965 with glutamine.
Molecular consequence: missense variant.
Genome position (GRCh38, 1-based): chr11:36,576,197, G>C. VCF-style: chr11-36576197-G-C. GRCh37 (hg19) VCF-style: chr11-36597747-G-C.
Other names: c.2893G>C, p.Glu965Gln (NM_001377277.1, NM_001377278.1, NM_001377279.1 and 1 more transcripts); short protein forms E965Q.
Identifiers: ClinVar variation 4071513 (VCV004071513.1).

ClinVar aggregate classification (germline): Uncertain significance (1 of 4 stars; one submission).

Conditions:
Severe combined immunodeficiency, autosomal recessive, T cell-negative, B cell-negative, NK cell-positive. Also called: SCID, AR, T-cell negative, B-cell negative, NK cell-positive; Severe combined immunodeficiency due to complete RAG1/2 deficiency; SCID, T CELL-NEGATIVE, B CELL-NEGATIVE, NK CELL-POSITIVE. Identifiers: Orphanet 331206, MedGen C1832322, MONDO:0011086, OMIM 601457.

Submission:

Next Generation Genetic Polyclinic
Classification: Uncertain significance for Severe combined immunodeficiency, autosomal recessive, T cell-negative, B cell-negative, NK cell-positive. Last evaluated: 2025-03-10. Review status: criteria provided, single submitter. Criteria: ACMG Guidelines, 2015. Collection method: clinical testing. Allele origin: germline. Affected: yes. Observed: 1 variant allele.
Comment: Novel missense variant in RAG1 gene (c.2893G>C; p.Glu965Gln), affecting a conserved glutamic acid residue in a functionally important domain. In silico prediction tools (e.g., SIFT, PolyPhen-2, REVEL) suggest a deleterious impact on protein function (PP3). The variant is absent from gnomAD and other population databases (PM2). No previous reports found in ClinVar or published literature (novel). Detected in homozygous state by clinical testing (sanger sequencing). Currently classified as Variant of Uncertain Significance (VUS). Meets ACMG criteria: PM2, PP3. PP4 may be applied if clinical phenotype supports RAG1-associated immunodeficiency (e.g., SCID or Omenn syndrome). Sanger sequencing confirmed variant presence.